The following is an entry in ClinVar:

ClinVar aggregate classification (germline): Pathogenic/Likely pathogenic. Review status: criteria provided, multiple submitters, no conflicts (2 of 4 stars). 3 submissions from 3 submitters: Pathogenic (2); Likely pathogenic (1). Last evaluated 2023-08-29.

Conditions:
ALG1-congenital disorder of glycosylation. Also called: CONGENITAL DISORDER OF GLYCOSYLATION, TYPE Ik; ALG1-CDG; CDG Ik. Identifiers: Orphanet 79327, MedGen C2931005, MONDO:0012052, OMIM 608540.

Allele frequency attached by ClinVar (database versions not stated): gnomAD exomes below 0.00001.
gnomAD v4.1: 2 of 1,611,976 alleles (0.00012%); highest among the groups gnomAD compares: Non-Finnish European, 0.00017%; no homozygotes.

Submissions (3):

Labcorp Genetics (formerly Invitae), Labcorp
Classification: Pathogenic for ALG1-congenital disorder of glycosylation. Last evaluated: 2023-08-29. Review status: criteria provided, single submitter. Criteria: Invitae Variant Classification Sherloc (09022015). Collection method: clinical testing. Allele origin: germline.
Comment: For these reasons, this variant has been classified as Pathogenic. This variant disrupts the p.Met382 amino acid residue in ALG1. Other variant(s) that disrupt this residue have been observed in individuals with ALG1-related conditions (PMID: 26931382, 33960646), which suggests that this may be a clinically significant amino acid residue. Experimental studies have shown that this missense change affects ALG1 function (PMID: 24157261). Advanced modeling of protein sequence and biophysical properties (such as structural, functional, and spatial information, amino acid conservation, physicochemical variation, residue mobility, and thermodynamic stability) performed at Invitae indicates that this missense variant is expected to disrupt ALG1 protein function. ClinVar contains an entry for this variant (Variation ID: 871520). This missense change has been observed in individual(s) with congenital disorder of glycosylation type 1K (PMID: 22966035, 24157261). This variant is not present in population databases (gnomAD no frequency). This sequence change replaces methionine, which is neutral and non-polar, with threonine, which is neutral and polar, at codon 382 of the ALG1 protein (p.Met382Thr).

Fulgent Genetics
Classification: Likely pathogenic for ALG1-congenital disorder of glycosylation. Last evaluated: 2021-07-02. Review status: criteria provided, single submitter. Criteria: ACMG Guidelines, 2015. Collection method: clinical testing. Allele origin: unknown.

CeGaT Center for Human Genetics Tuebingen
Classification: Pathogenic. Last evaluated: 2017-02-01. Review status: criteria provided, single submitter. Criteria: CeGaT Center For Human Genetics Tuebingen Variant Classification Criteria Version 2. Collection method: clinical testing. Allele origin: germline. Affected: yes. Observed: 1 variant allele.

Literature cited by the submitters: PubMed 26931382 (cited by Labcorp Genetics (formerly Invitae), Labcorp); PubMed 33960646 (cited by Labcorp Genetics (formerly Invitae), Labcorp); PubMed 24157261 (cited by Labcorp Genetics (formerly Invitae), Labcorp); PubMed 22966035 (cited by Labcorp Genetics (formerly Invitae), Labcorp).

NM_019109.5(ALG1):c.1145T>C (p.Met382Thr)

Gene: ALG1 (ALG1 chitobiosyldiphosphodolichol beta-mannosyltransferase; plus strand). Cytogenetic location: 16p13.3.
Variant type: single nucleotide variant.
Coding change: c.1145T>C on transcript NM_019109.5 (MANE Select); coding-DNA position 1145, T replaced by C.
Protein change: p.Met382Thr; replaces methionine 382 with threonine.
Molecular consequence: missense variant.
Genome position (GRCh38, 1-based): chr16:5,082,631, T>C. VCF-style: chr16-5082631-T-C. GRCh37 (hg19) VCF-style: chr16-5132632-T-C.
Other names: c.812T>C, p.Met271Thr (NM_001330504.2); short protein forms M271T, M382T.
Identifiers: ClinVar variation 871520 (VCV000871520.45), dbSNP rs1596261268, ClinGen allele CA394673896.
Genomic context (GRCh38, chr16:5,082,631, plus strand): 5'-TGGGTGTCTGTCTGCACACGTCCTCCAGTGGCCTGGACCTGCCCATGAAGGTGGTGGACA[T>C]GTTCGGGTGCTGTTTGCCTGTGTGTGCTGTGAACTTCAAGTGGTAGGAGCAGAACCCAAA-3'
Protein context (NP_061982.3, residues 372-392): GLDLPMKVVD[Met382Thr]FGCCLPVCAV